The following is an entry in ClinVar:

NM_014236.4(GNPAT):c.570C>A (p.Asp190Glu)

Gene: GNPAT (glyceronephosphate O-acyltransferase; plus strand). Cytogenetic location: 1q42.2.
Variant type: single nucleotide variant.
Coding change: c.570C>A on transcript NM_014236.4 (MANE Select); coding-DNA position 570, C replaced by A.
Protein change: p.Asp190Glu; replaces aspartic acid 190 with glutamic acid.
Molecular consequence: missense variant.
Genome position (GRCh38, 1-based): chr1:231,265,294, C>A. VCF-style: chr1-231265294-C-A. GRCh37 (hg19) VCF-style: chr1-231401040-C-A.
Other names: c.387C>A, p.Asp129Glu (NM_001316350.2); short protein forms D190E, D129E.
Identifiers: ClinVar variation 2307509 (VCV002307509.3), dbSNP rs1284687836, ClinGen allele CA345232982.

ClinVar aggregate classification (germline): Uncertain significance. Review status: criteria provided, multiple submitters, no conflicts (2 of 4 stars). 2 submissions from 2 submitters: Uncertain significance (2). Last evaluated 2025-05-08.

Conditions:
Inborn genetic diseases. Identifiers: MedGen C0950123, MeSH D030342.

gnomAD v4.1: 1 of 1,609,948 alleles (0.000062%); highest among the groups gnomAD compares: Admixed American, 0.0017%; no homozygotes.

Submissions (2):

Labcorp Genetics (formerly Invitae), Labcorp
Classification: Uncertain significance. Last evaluated: 2025-05-08. Review status: criteria provided, single submitter. Criteria: Invitae Variant Classification Sherloc (09022015). Collection method: clinical testing. Allele origin: germline.
Comment: This sequence change replaces aspartic acid, which is acidic and polar, with glutamic acid, which is acidic and polar, at codon 190 of the GNPAT protein (p.Asp190Glu). This variant is present in population databases (no rsID available, gnomAD 0.003%). This variant has not been reported in the literature in individuals affected with GNPAT-related conditions. ClinVar contains an entry for this variant (Variation ID: 2307509). An algorithm developed to predict the effect of missense changes on protein structure and function (PolyPhen-2) suggests that this variant is likely to be disruptive. In summary, the available evidence is currently insufficient to determine the role of this variant in disease. Therefore, it has been classified as a Variant of Uncertain Significance.

Ambry Genetics
Classification: Uncertain significance for Inborn genetic diseases. Last evaluated: 2022-08-16. Review status: criteria provided, single submitter. Criteria: Ambry Variant Classification Scheme 2023. Collection method: clinical testing. Allele origin: germline.